The following is an entry in ClinVar:

ClinVar aggregate classification (germline): Uncertain significance (1 of 4 stars; one submission).

Submission:

Ambry Genetics
Classification: Uncertain significance. Last evaluated: 2026-04-04. Review status: criteria provided, single submitter. Criteria: Ambry Variant Classification Scheme 2023. Collection method: clinical testing. Allele origin: germline.
Comment: The p.P942R variant (also known as c.2825C>G), located in coding exon 11 of the WNK2 gene, results from a C to G substitution at nucleotide position 2825. The proline at codon 942 is replaced by arginine, an amino acid with dissimilar properties. This amino acid position is conserved. In addition, this alteration is predicted to be tolerated by in silico analysis. Based on the available evidence, the clinical significance of this variant remains unclear.

NM_006648.4(WNK2):c.2825C>G (p.Pro942Arg)

Gene: WNK2 (WNK lysine deficient protein kinase 2; plus strand). Cytogenetic location: 9q22.31.
Variant type: single nucleotide variant.
Coding change: c.2825C>G on transcript NM_006648.4 (MANE Select); coding-DNA position 2825, C replaced by G.
Protein change: p.Pro942Arg; replaces proline 942 with arginine.
Molecular consequence: missense variant.
Genome position (GRCh38, 1-based): chr9:93,259,373, C>G. VCF-style: chr9-93259373-C-G. GRCh37 (hg19) VCF-style: chr9-96021655-C-G.
Other names: c.2825C>G, p.Pro942Arg (NM_001282394.3); short protein forms P942R.
Identifiers: ClinVar variation 4866566 (VCV004866566.1).